The following is an entry in ClinVar:

ClinVar aggregate classification (germline): Uncertain significance. Review status: criteria provided, multiple submitters, no conflicts (2 of 4 stars). 4 submissions from 4 submitters: Uncertain significance (4). Last evaluated 2026-01-19.

Conditions:
Ullrich congenital muscular dystrophy 2 (UCMD2). Identifiers: Orphanet 75840, MedGen C4225314, MONDO:0014654, OMIM 616470.
Bethlem myopathy 2 (BTHLM2). Identifiers: Orphanet 536516, Orphanet 610, MedGen C4225313, MONDO:0034022, OMIM 616471.

Allele frequency attached by ClinVar (database versions not stated): TOPMed 0.00001; gnomAD 0.00003 and 0.00004.
gnomAD v4.1: 25 of 1,612,952 alleles (0.0015%); highest among the groups gnomAD compares: Middle Eastern, 0.016%; no homozygotes.

Submissions (4):

Labcorp Genetics (formerly Invitae), Labcorp
Classification: Uncertain significance for Bethlem myopathy 2; Ullrich congenital muscular dystrophy 2. Last evaluated: 2026-01-19. Review status: criteria provided, single submitter. Criteria: Invitae Variant Classification Sherloc (09022015). Collection method: clinical testing. Allele origin: germline.
Comment: This sequence change replaces threonine, which is neutral and polar, with alanine, which is neutral and non-polar, at codon 1817 of the COL12A1 protein (p.Thr1817Ala). This variant is present in population databases (rs760315104, gnomAD 0.006%). This variant has not been reported in the literature in individuals affected with COL12A1-related conditions. ClinVar contains an entry for this variant (Variation ID: 843320). Invitae Evidence Modeling of protein sequence and biophysical properties (such as structural, functional, and spatial information, amino acid conservation, physicochemical variation, residue mobility, and thermodynamic stability) has been performed for this missense variant. However, the output from this modeling did not meet the statistical confidence thresholds required to predict the impact of this variant on COL12A1 protein function. In summary, the available evidence is currently insufficient to determine the role of this variant in disease. Therefore, it has been classified as a Variant of Uncertain Significance.

Women's Health and Genetics/Laboratory Corporation of America, LabCorp
Classification: Uncertain significance. Last evaluated: 2025-03-17. Review status: criteria provided, single submitter. Criteria: LabCorp Variant Classification Summary - May 2015. Collection method: clinical testing. Allele origin: germline.
Comment: Variant summary: COL12A1 c.5449A>G (p.Thr1817Ala) results in a non-conservative amino acid change located in the Fibronectin type III repeat domain (IPR003961) of the encoded protein sequence. Three of five in-silico tools predict a damaging effect of the variant on protein function. The variant allele was found at a frequency of 1.5e-05 in 1605970 control chromosomes. This frequency is not significantly higher than estimated for a pathogenic variant in COL12A1 causing Ullrich congenital muscular dystrophy 2 (1.5e-05 vs 0.0035), allowing no conclusion about variant significance. To our knowledge, no occurrence of c.5449A>G in individuals affected with Ullrich congenital muscular dystrophy 2 and no experimental evidence demonstrating its impact on protein function have been reported. ClinVar contains an entry for this variant (Variation ID: 843320). Based on the evidence outlined above, the variant was classified as uncertain significance.

Revvity Omics, Revvity
Classification: Uncertain significance. Last evaluated: 2023-06-22. Review status: criteria provided, single submitter. Criteria: ACMG Guidelines, 2015. Collection method: clinical testing. Allele origin: germline.

Blueprint Genetics
Classification: Uncertain significance. Last evaluated: 2023-04-25. Review status: criteria provided, single submitter. Criteria: ACMG Guidelines, 2015. Collection method: clinical testing. Allele origin: germline.

NM_004370.6(COL12A1):c.5449A>G (p.Thr1817Ala)

Gene: COL12A1 (collagen type XII alpha 1 chain; minus strand). Cytogenetic location: 6q13.
Variant type: single nucleotide variant.
Coding change: c.5449A>G on transcript NM_004370.6 (MANE Select); coding-DNA position 5449, A replaced by G.
Protein change: p.Thr1817Ala; replaces threonine 1817 with alanine.
Molecular consequence: missense variant.
Genome position (GRCh38, 1-based): chr6:75,134,801, T>C on the plus strand (A>G on the coding strand, the complement: COL12A1 is on the minus strand). VCF-style: chr6-75134801-T-C. GRCh37 (hg19) VCF-style: chr6-75844517-T-C.
Other names: c.1957A>G, p.Thr653Ala (NM_080645.3); short protein forms T1817A, T653A.
Identifiers: ClinVar variation 843320 (VCV000843320.13), dbSNP rs760315104, ClinGen allele CA3893127.
Genomic context (GRCh38, chr6:75,134,801, plus strand): 5'-CCGTCATCCGACCTCCTTCACCATCAGGATACAGAGAGGATACGGTGATAGTGTAAGGAG[T>C]GTCTGGCTTCAGTTTCTGCAGGACCACACTGTTCTGCCGTCCTCCTATTGTGGTCTTGAG-3'
Protein context (NP_004361.3, residues 1807-1827): SVVLQKLKPD[Thr1817Ala]PYTITVSSLY